The following is an entry in ClinVar:

ClinVar aggregate classification (germline): Benign (0 of 4 stars; one submission).

Conditions:
NIPAL3-related disorder. Also called: NIPAL3-related condition.

gnomAD v4.1: 2,126 of 1,614,106 alleles (0.13%); highest among the groups gnomAD compares: African/African-American, 2.6%; 21 homozygotes.

Submission:

PreventionGenetics, part of Exact Sciences
Classification: Benign for NIPAL3-related condition. Last evaluated: 2024-08-01. Review status: no assertion criteria provided. Collection method: clinical testing. Allele origin: germline.
Comment: This variant is classified as benign based on ACMG/AMP sequence variant interpretation guidelines (Richards et al. 2015 PMID: 25741868, with internal and published modifications).

NM_020448.5(NIPAL3):c.1176C>T (p.Ala392=)

Gene: NIPAL3 (NIPA like domain containing 3; plus strand). Cytogenetic location: 1p36.11.
Variant type: single nucleotide variant.
Coding change: c.1176C>T on transcript NM_020448.5 (MANE Select); coding-DNA position 1176, C replaced by T.
Protein change: p.Ala392=; no amino-acid change (alanine 392 retained).
Molecular consequence: synonymous variant. On other transcripts: non-coding transcript variant (3).
Genome position (GRCh38, 1-based): chr1:24,469,140, C>T. VCF-style: chr1-24469140-C-T. GRCh37 (hg19) VCF-style: chr1-24795630-C-T.
Other names: c.1176C>T, p.Ala392= (NM_001322854.2, NM_001322855.2, NM_001322856.2 and 1 more transcripts); c.693C>T, p.Ala231= (NM_001322858.2, NM_001322859.2, NM_001322860.2 and 1 more transcripts); c.930C>T, p.Ala310= (NM_001322862.2, NM_001322863.2); c.1173C>T, p.Ala391= (NM_001322864.2); c.1149C>T, p.Ala383= (NM_001322866.2); c.1023C>T, p.Ala341= (NM_001322868.2).
Identifiers: ClinVar variation 3358567 (VCV003358567.1).